The following is an entry in ClinVar:

ClinVar aggregate classification (germline): Uncertain significance. Review status: criteria provided, multiple submitters, no conflicts (2 of 4 stars). 2 submissions from 2 submitters: Uncertain significance (2). Last evaluated 2024-11-13.

Conditions:
Familial adenomatous polyposis 1 (FAP1). Also called: FAMILIAL ADENOMATOUS POLYPOSIS 1, ATTENUATED; POLYPOSIS, ADENOMATOUS INTESTINAL. Identifiers: MedGen C2713442, MONDO:0021056, OMIM 175100. Disease mechanism: loss of function.

Submissions (2):

Quest Diagnostics Nichols Institute San Juan Capistrano
Classification: Uncertain significance. Last evaluated: 2024-11-13. Review status: criteria provided, single submitter. Criteria: Quest Diagnostics criteria. Collection method: clinical testing. Allele origin: unknown.
Comment: The APC c.7368G>C (p.Leu2456Phe) variant has not been reported as a germline variant in individuals with APC-related conditions in the published literature. It also has not been reported in large, multi-ethnic general populations (Genome Aggregation Database). Analysis of this variant using bioinformatics tools for the prediction of the effect of amino acid changes on protein structure and function yielded predictions that this variant is damaging. Based on the available information, we are unable to determine the clinical significance of this variant.

Labcorp Genetics (formerly Invitae), Labcorp
Classification: Uncertain significance for Familial adenomatous polyposis 1. Last evaluated: 2023-06-23. Review status: criteria provided, single submitter. Criteria: Invitae Variant Classification Sherloc (09022015). Collection method: clinical testing. Allele origin: germline.
Comment: In summary, the available evidence is currently insufficient to determine the role of this variant in disease. Therefore, it has been classified as a Variant of Uncertain Significance. Advanced modeling of protein sequence and biophysical properties (such as structural, functional, and spatial information, amino acid conservation, physicochemical variation, residue mobility, and thermodynamic stability) performed at Invitae indicates that this missense variant is not expected to disrupt APC protein function. This variant has not been reported in the literature in individuals affected with APC-related conditions. This variant is not present in population databases (gnomAD no frequency). This sequence change replaces leucine, which is neutral and non-polar, with phenylalanine, which is neutral and non-polar, at codon 2456 of the APC protein (p.Leu2456Phe).

Literature cited by the submitters: PubMed 32256484 (cited by Quest Diagnostics Nichols Institute San Juan Capistrano).

NM_000038.6(APC):c.7368G>C (p.Leu2456Phe)

Gene: APC (APC regulator of Wnt signaling pathway; plus strand). Cytogenetic location: 5q22.2.
Variant type: single nucleotide variant.
Coding change: c.7368G>C on transcript NM_000038.6 (MANE Select); coding-DNA position 7368, G replaced by C.
Protein change: p.Leu2456Phe; replaces leucine 2456 with phenylalanine.
Molecular consequence: missense variant. On other transcripts: non-coding transcript variant (2).
Genome position (GRCh38, 1-based): chr5:112,842,962, G>C. VCF-style: chr5-112842962-G-C. GRCh37 (hg19) VCF-style: chr5-112178659-G-C.
Other names: c.7368G>C (NM_000038.5); c.7314G>C, p.Leu2438Phe (NM_001127511.3); c.7368G>C, p.Leu2456Phe (NM_001354895.2, NM_001407450.1, NM_001127510.3); c.7422G>C, p.Leu2474Phe (NM_001354896.2, NM_001407447.1, NM_001407448.1 and 1 more transcripts); c.7398G>C, p.Leu2466Phe (NM_001354897.2); c.7293G>C, p.Leu2431Phe (NM_001354898.2); c.7284G>C, p.Leu2428Phe (NM_001354899.2); c.7245G>C, p.Leu2415Phe (NM_001354900.2); and 12 more; short protein forms L2072F, L2330F, L2365F, L2428F, L2431F, L2484F, L2327F, L2373F.
Identifiers: ClinVar variation 2730198 (VCV002730198.4), dbSNP rs2149985463, ClinGen allele CA16037379.